The following is an entry in ClinVar:

NM_000038.6(APC):c.1392dup (p.Ala465fs)

Gene: APC (APC regulator of Wnt signaling pathway; plus strand). Cytogenetic location: 5q22.2.
Variant type: Duplication.
Coding change: c.1392dup on transcript NM_000038.6 (MANE Select); coding-DNA position 1392, one base duplicated (T; older notation c.1392dupT).
Protein change: p.Ala465fs; shifts the reading frame from alanine 465.
Molecular consequence: frameshift variant.
Genome position (GRCh38, 1-based): chr5:112,821,975, T duplicated. VCF-style (leftmost placement, unchanged base first): chr5-112821974-A-AT. GRCh37 (hg19) VCF-style: chr5-112157671-A-AT.
Other names: c.1392dup, p.Ala465fs (NM_001127510.3, NM_001354895.2, NM_001354896.2); c.1338dup, p.Ala447fs (NM_001127511.3); c.1422dup, p.Ala475fs (NM_001354897.2); c.1317dup, p.Ala440fs (NM_001354898.2); c.1308dup, p.Ala437fs (NM_001354899.2); c.1215dup, p.Ala406fs (NM_001354900.2, NM_001354901.2); c.1119dup, p.Ala374fs (NM_001354902.2); c.1089dup, p.Ala364fs (NM_001354903.2); and 3 more; short protein forms A182fs, A305fs, A339fs, A364fs, A374fs, A406fs, A437fs, A440fs.
Identifiers: ClinVar variation 1072101 (VCV001072101.11), dbSNP rs2149792705, ClinGen allele CA2499217435.

ClinVar aggregate classification (germline): Pathogenic. Review status: criteria provided, multiple submitters, no conflicts (2 of 4 stars). 2 submissions from 2 submitters: Pathogenic (2). Last evaluated 2023-05-01.

Conditions:
Familial adenomatous polyposis 1 (FAP1). Also called: POLYPOSIS, ADENOMATOUS INTESTINAL; FAMILIAL ADENOMATOUS POLYPOSIS 1, ATTENUATED. Identifiers: MedGen C2713442, MONDO:0021056, OMIM 175100. Disease mechanism: loss of function.

Submissions (2):

Myriad Genetics, Inc.
Classification: Pathogenic for Familial adenomatous polyposis 1. Last evaluated: 2023-05-01. Review status: criteria provided, single submitter. Criteria: Myriad Autosomal Dominant, Autosomal Recessive and X-Linked Classification Criteria (2023). Collection method: clinical testing. Allele origin: unknown.
Comment: This variant is considered pathogenic. This variant creates a frameshift predicted to result in premature protein truncation.

Labcorp Genetics (formerly Invitae), Labcorp
Classification: Pathogenic for Familial adenomatous polyposis 1. Last evaluated: 2023-02-06. Review status: criteria provided, single submitter. Criteria: Invitae Variant Classification Sherloc (09022015). Collection method: clinical testing. Allele origin: germline.
Comment: This sequence change creates a premature translational stop signal (p.Ala465Cysfs*4) in the APC gene. It is expected to result in an absent or disrupted protein product. Loss-of-function variants in APC are known to be pathogenic (PMID: 17963004, 20685668). This variant is not present in population databases (gnomAD no frequency). This variant has not been reported in the literature in individuals affected with APC-related conditions. ClinVar contains an entry for this variant (Variation ID: 1072101). For these reasons, this variant has been classified as Pathogenic.

Literature cited by the submitters: PubMed 17963004 (cited by Labcorp Genetics (formerly Invitae), Labcorp); PubMed 20685668 (cited by Labcorp Genetics (formerly Invitae), Labcorp).